The following is an entry in ClinVar:

ClinVar aggregate classification (germline): Uncertain significance. Review status: criteria provided, multiple submitters, no conflicts (2 of 4 stars). 2 submissions from 2 submitters: Uncertain significance (2). Last evaluated 2025-09-05.

Allele frequency attached by ClinVar (database versions not stated): ExAC 0.00001; gnomAD 0.00009; TOPMed 0.00022.

Submissions (2):

Labcorp Genetics (formerly Invitae), Labcorp
Classification: Uncertain significance. Last evaluated: 2025-09-05. Review status: criteria provided, single submitter. Criteria: Invitae Variant Classification Sherloc (09022015). Collection method: clinical testing. Allele origin: germline.
Comment: This sequence change replaces valine, which is neutral and non-polar, with isoleucine, which is neutral and non-polar, at codon 934 of the PLEKHM2 protein (p.Val934Ile). This variant is present in population databases (rs200031572, gnomAD 0.02%). This variant has not been reported in the literature in individuals affected with PLEKHM2-related conditions. ClinVar contains an entry for this variant (Variation ID: 2066500). An algorithm developed to predict the effect of missense changes on protein structure and function outputs the following: PolyPhen-2: "Benign". The isoleucine amino acid residue is found in multiple mammalian species, which suggests that this missense change does not adversely affect protein function. In summary, the available evidence is currently insufficient to determine the role of this variant in disease. Therefore, it has been classified as a Variant of Uncertain Significance.

Ambry Genetics
Classification: Uncertain significance. Last evaluated: 2025-08-04. Review status: criteria provided, single submitter. Criteria: Ambry Variant Classification Scheme 2023. Collection method: clinical testing. Allele origin: germline.

NM_015164.4(PLEKHM2):c.2800G>A (p.Val934Ile)

Gene: PLEKHM2 (pleckstrin homology and RUN domain containing M2; plus strand). Cytogenetic location: 1p36.21.
Variant type: single nucleotide variant.
Coding change: c.2800G>A on transcript NM_015164.4 (MANE Select); coding-DNA position 2800, G replaced by A.
Protein change: p.Val934Ile; replaces valine 934 with isoleucine.
Molecular consequence: missense variant.
Genome position (GRCh38, 1-based): chr1:15,732,524, G>A. VCF-style: chr1-15732524-G-A. GRCh37 (hg19) VCF-style: chr1-16059019-G-A.
Other names: c.2740G>A, p.Val914Ile (NM_001410755.1); c.2800G>A (NM_015164.2); short protein forms V934I, V914I.
Identifiers: ClinVar variation 2066500 (VCV002066500.5), dbSNP rs200031572, ClinGen allele CA617352.